The following is an entry in ClinVar:

ClinVar aggregate classification (germline): Uncertain significance (1 of 4 stars; one submission).

Conditions:
Inflammatory bowel disease 28. Also called: Inflammatory bowel disease 28, early onset, autosomal recessive. Identifiers: Orphanet 238569, MedGen C2751053, MONDO:0013153, OMIM 613148.

Allele frequency attached by ClinVar (database versions not stated): gnomAD exomes below 0.00001 and 0.00001; ExAC 0.00001.
gnomAD v4.1: 5 of 1,613,380 alleles (0.00031%); highest among the groups gnomAD compares: South Asian, 0.0044%; no homozygotes.

Submission:

Labcorp Genetics (formerly Invitae), Labcorp
Classification: Uncertain significance for Inflammatory bowel disease 28. Last evaluated: 2023-10-27. Review status: criteria provided, single submitter. Criteria: Invitae Variant Classification Sherloc (09022015). Collection method: clinical testing. Allele origin: germline.
Comment: This sequence change falls in intron 3 of the IL10RA gene. It does not directly change the encoded amino acid sequence of the IL10RA protein. It affects a nucleotide within the consensus splice site. This variant is present in population databases (rs768106799, gnomAD 0.003%). This variant has not been reported in the literature in individuals affected with IL10RA-related conditions. ClinVar contains an entry for this variant (Variation ID: 1346164). Variants that disrupt the consensus splice site are a relatively common cause of aberrant splicing (PMID: 17576681, 9536098). Algorithms developed to predict the effect of sequence changes on RNA splicing suggest that this variant is not likely to affect RNA splicing. In summary, the available evidence is currently insufficient to determine the role of this variant in disease. Therefore, it has been classified as a Variant of Uncertain Significance.

Literature cited by the submitters: PubMed 17576681; PubMed 9536098.

NM_001558.4(IL10RA):c.367+4C>T

Gene: IL10RA (interleukin 10 receptor subunit alpha; plus strand). Cytogenetic location: 11q23.3.
Variant type: single nucleotide variant.
Coding change: c.367+4C>T on transcript NM_001558.4 (MANE Select); 4 bases into the intron after coding-DNA position 367, C replaced by T.
Molecular consequence: intron variant.
Genome position (GRCh38, 1-based): chr11:117,989,624, C>T. VCF-style: chr11-117989624-C-T. GRCh37 (hg19) VCF-style: chr11-117860339-C-T.
Identifiers: ClinVar variation 1346164 (VCV001346164.6), dbSNP rs768106799, ClinGen allele CA6298906.